The following is an entry in ClinVar:

ClinVar aggregate classification (germline): Uncertain significance (1 of 4 stars; one submission).

Submission:

Labcorp Genetics (formerly Invitae), Labcorp
Classification: Uncertain significance. Last evaluated: 2025-07-09. Review status: criteria provided, single submitter. Criteria: Invitae Variant Classification Sherloc (09022015). Collection method: clinical testing. Allele origin: germline.
Comment: This sequence change falls in intron 9 of the EGF gene. It does not directly change the encoded amino acid sequence of the EGF protein. It affects a nucleotide within the consensus splice site. This variant is not present in population databases (gnomAD no frequency). This variant has not been reported in the literature in individuals affected with EGF-related conditions. Variants that disrupt the consensus splice site are a relatively common cause of aberrant splicing (PMID: 17576681, 9536098). Algorithms developed to predict the effect of sequence changes on RNA splicing suggest that this variant is not likely to affect RNA splicing. In summary, the available evidence is currently insufficient to determine the role of this variant in disease. Therefore, it has been classified as a Variant of Uncertain Significance.

Literature cited by the submitters: PubMed 17576681; PubMed 9536098.

NM_001963.6(EGF):c.1438+3T>A

Gene: EGF (epidermal growth factor; plus strand). Cytogenetic location: 4q25.
Variant type: single nucleotide variant.
Coding change: c.1438+3T>A on transcript NM_001963.6 (MANE Select); 3 bases into the intron after coding-DNA position 1438, T replaced by A.
Molecular consequence: intron variant.
Genome position (GRCh38, 1-based): chr4:109,963,301, T>A. VCF-style: chr4-109963301-T-A. GRCh37 (hg19) VCF-style: chr4-110884457-T-A.
Other names: c.1438+3T>A (NM_001178130.3); c.1312+3T>A (NM_001178131.3, NM_001357021.2).
Identifiers: ClinVar variation 4692669 (VCV004692669.1).
Genomic context (GRCh38, chr4:109,963,301, plus strand): 5'-TGTGATTGCTTTCCTGGGTATGACCTACAACTGGATGAAAAAAGCTGTGCAGCTTCAGGT[T>A]AGTGCTGTGGTTGTCTGGAACTGTGTCCCTGAAAAAAAATTCATGAAAATCTTTTGTTTA-3'